The following is an entry in ClinVar:

ClinVar aggregate classification (germline): Benign. Review status: criteria provided, multiple submitters, no conflicts (2 of 4 stars). 3 submissions from 3 submitters: Benign (2). 1 of the submissions does not count toward it. Last evaluated 2019-12-31.

Conditions:
WASHC4-related disorder. Also called: WASHC4-related condition.

Allele frequency attached by ClinVar (database versions not stated): gnomAD 0.00297 and 0.00182; gnomAD exomes 0.00332 and 0.00567; TOPMed 0.00345; ExAC 0.00600; 1000 Genomes Project 30x 0.01234; 1000 Genomes Project 0.01318; ESP Exome Variant Server 0.00043.
gnomAD v4.1: 5,149 of 1,568,096 alleles (0.33%); highest among the groups gnomAD compares: East Asian, 9.6%; 254 homozygotes.

Submissions (10):

Labcorp Genetics (formerly Invitae), Labcorp
Classification: Benign. Last evaluated: 2019-12-31. Review status: criteria provided, single submitter. Criteria: Invitae Variant Classification Sherloc (09022015). Collection method: clinical testing. Allele origin: germline.

Breakthrough Genomics
Classification: Benign. Review status: criteria provided, single submitter. Criteria: ACMG Guidelines, 2015. Collection method: not provided. Allele origin: germline. Inheritance: Autosomal recessive inheritance. Affected: yes.

PreventionGenetics, part of Exact Sciences
Classification: Benign for WASHC4-related condition. Last evaluated: 2019-10-21. Review status: no assertion criteria provided. Collection method: clinical testing. Allele origin: germline. Not counted in ClinVar's aggregate classification.
Comment: This variant is classified as benign based on ACMG/AMP sequence variant interpretation guidelines (Richards et al. 2015 PMID: 25741868, with internal and published modifications).

Dr. Peter K. Rogan Lab, Western University
No classification provided (evidence only). Condition: Thyroid cancer, nonmedullary, 1. Review status: no classification provided. Collection method: in vitro. Allele origin: not applicable. Functional consequence: retained intron. Not counted in ClinVar's aggregate classification.

Dr. Peter K. Rogan Lab, Western University
No classification provided (evidence only). Condition: Cervical cancer. Review status: no classification provided. Collection method: in vitro. Allele origin: not applicable. Functional consequence: retained intron. Not counted in ClinVar's aggregate classification.

Dr. Peter K. Rogan Lab, Western University
No classification provided (evidence only). Condition: Malignant lymphoma, large B-cell, diffuse. Review status: no classification provided. Collection method: in vitro. Allele origin: not applicable. Functional consequence: retained intron. Not counted in ClinVar's aggregate classification.

Dr. Peter K. Rogan Lab, Western University
No classification provided (evidence only). Condition: Thymoma. Review status: no classification provided. Collection method: in vitro. Allele origin: not applicable. Functional consequence: retained intron. Not counted in ClinVar's aggregate classification.

Dr. Peter K. Rogan Lab, Western University
No classification provided (evidence only). Condition: Thymoma. Review status: no classification provided. Collection method: in vitro. Allele origin: not applicable. Functional consequence: retained intron. Not counted in ClinVar's aggregate classification.

Dr. Peter K. Rogan Lab, Western University
No classification provided (evidence only). Condition: Ovarian serous cystadenocarcinoma. Review status: no classification provided. Collection method: in vitro. Allele origin: not applicable. Functional consequence: retained intron. Not counted in ClinVar's aggregate classification.

Dr. Peter K. Rogan Lab, Western University
No classification provided (evidence only). Condition: Malignant tumor of esophagus. Review status: no classification provided. Collection method: in vitro. Allele origin: not applicable. Functional consequence: retained intron. Not counted in ClinVar's aggregate classification.

NM_015275.3(WASHC4):c.2868A>G (p.Leu956=)

Gene: WASHC4 (WASH complex subunit 4; plus strand). Cytogenetic location: 12q23.3.
Variant type: single nucleotide variant.
Coding change: c.2868A>G on transcript NM_015275.3 (MANE Select); coding-DNA position 2868, A replaced by G.
Protein change: p.Leu956=; no amino-acid change (leucine 956 retained).
Molecular consequence: synonymous variant.
Genome position (GRCh38, 1-based): chr12:105,157,278, A>G. VCF-style: chr12-105157278-A-G. GRCh37 (hg19) VCF-style: chr12-105551056-A-G.
Other names: NC_000012.11:g.105551056A>G; c.2871A>G, p.Leu957= (NM_001293640.2).
Identifiers: ClinVar variation 780151 (VCV000780151.8), dbSNP rs3763992, ClinGen allele CA6759078.
Genomic context (GRCh38, chr12:105,157,278, plus strand): 5'-TCCCAAATTCTTATGTAGATTTGTTCCTGATCTTGAAGATATTGTAAATTTTGAAGAACT[A>G]GTAAAAGAAGAAGGTCTTGCAGAAGAAACATTAAAAGCAGCAAGGTAATCTAAATTTGGA-3'
Protein context (NP_056090.1, residues 946-966): DLEDIVNFEE[Leu956=]VKEEGLAEET